The following is an entry in ClinVar:

NM_014915.3(ANKRD26):c.1413G>T (p.Met471Ile)

Gene: ANKRD26 (ankyrin repeat domain containing 26; minus strand). Cytogenetic location: 10p12.1.
Variant type: single nucleotide variant.
Coding change: c.1413G>T on transcript NM_014915.3 (MANE Select); coding-DNA position 1413, G replaced by T.
Protein change: p.Met471Ile; replaces methionine 471 with isoleucine.
Molecular consequence: missense variant.
Genome position (GRCh38, 1-based): chr10:27,061,193, C>A on the plus strand (G>T on the coding strand, the complement: ANKRD26 is on the minus strand). VCF-style: chr10-27061193-C-A. GRCh37 (hg19) VCF-style: chr10-27350122-C-A.
Other names: c.1413G>T, p.Met471Ile (NM_001256053.2); short protein forms M471I.
Identifiers: ClinVar variation 3913884 (VCV003913884.1).

ClinVar aggregate classification (germline): Uncertain significance (1 of 4 stars; one submission).

Conditions:
Inborn genetic diseases. Identifiers: MedGen C0950123, MeSH D030342.

gnomAD v4.1: 1 of 1,612,584 alleles (0.000062%); highest among the groups gnomAD compares: African/African-American, 0.0013%; no homozygotes.

Submission:

Ambry Genetics
Classification: Uncertain significance for Inborn genetic diseases. Last evaluated: 2025-04-25. Review status: criteria provided, single submitter. Criteria: Ambry Variant Classification Scheme 2023. Collection method: clinical testing. Allele origin: germline.
Comment: The p.M471I variant (also known as c.1413G>T), located in coding exon 13 of the ANKRD26 gene, results from a G to T substitution at nucleotide position 1413. The methionine at codon 471 is replaced by isoleucine, an amino acid with highly similar properties. This amino acid position is conserved. In addition, this alteration is predicted to be tolerated by in silico analysis. Based on the available evidence, the clinical significance of this variant remains unclear.